The following is an entry in ClinVar:

ClinVar aggregate classification (germline): Benign/Likely benign. Review status: criteria provided, multiple submitters, no conflicts (2 of 4 stars). 3 submissions from 3 submitters: Benign (1); Likely benign (2). Last evaluated 2025-02-24.

Conditions:
Breast-ovarian cancer, familial, susceptibility to, 4. Identifiers: Orphanet 145, MedGen C3280345, MONDO:0013669, OMIM 614291.
Hereditary cancer-predisposing syndrome. Also called: Hereditary Cancer Syndrome; Neoplastic Syndromes, Hereditary; Tumor predisposition; Hereditary neoplastic syndrome. Identifiers: Orphanet 140162, MedGen C0027672, MeSH D009386, MONDO:0015356.

Submissions (3):

Myriad Genetics, Inc.
Classification: Benign for Breast-ovarian cancer, familial, susceptibility to, 4. Last evaluated: 2025-02-24. Review status: criteria provided, single submitter. Criteria: Myriad Autosomal Dominant, Autosomal Recessive and X-Linked Classification Criteria (2023). Collection method: clinical testing. Allele origin: unknown.
Comment: This variant is considered benign. This variant is a silent/synonymous amino acid change and it is not expected to impact splicing.

Ambry Genetics
Classification: Likely benign for Hereditary cancer-predisposing syndrome. Last evaluated: 2023-06-25. Review status: criteria provided, single submitter. Criteria: Ambry Variant Classification Scheme 2023. Collection method: clinical testing. Allele origin: germline.

Labcorp Genetics (formerly Invitae), Labcorp
Classification: Likely benign for Breast-ovarian cancer, familial, susceptibility to, 4. Last evaluated: 2020-05-27. Review status: criteria provided, single submitter. Criteria: Invitae Variant Classification Sherloc (09022015). Collection method: clinical testing. Allele origin: germline.

NM_002878.4(RAD51D):c.645T>A (p.Leu215=)

Genes: RAD51D (RAD51 paralog D; minus strand), RAD51L3-RFFL (RAD51L3-RFFL readthrough; minus strand). Cytogenetic location: 17q12.
Variant type: single nucleotide variant.
Coding change: c.645T>A on transcript NM_002878.4 (MANE Select); coding-DNA position 645, T replaced by A.
Protein change: p.Leu215=; no amino-acid change (leucine 215 retained).
Molecular consequence: synonymous variant. On other transcripts: non-coding transcript variant (3).
Genome position (GRCh38, 1-based): chr17:35,103,476, A>T on the plus strand (T>A on the coding strand, the complement: RAD51D is on the minus strand). VCF-style: chr17-35103476-A-T. GRCh37 (hg19) VCF-style: chr17-33430495-A-T.
Other names: c.705T>A, p.Leu235= (NM_001142571.2); c.309T>A, p.Leu103= (NM_133629.3); c.645T>A (NM_002878.3).
Identifiers: ClinVar variation 1086305 (VCV001086305.10), dbSNP rs1597858726, ClinGen allele CA499730603.